The following is an entry in ClinVar:

ClinVar aggregate classification (germline): Uncertain significance (1 of 4 stars; one submission).

Allele frequency attached by ClinVar (database versions not stated): ExAC 0.00006.
gnomAD v4.1: 66 of 1,554,908 alleles (0.0042%); highest among the groups gnomAD compares: Middle Eastern, 0.05%; no homozygotes.

Submission:

GeneDx
Classification: Uncertain significance. Last evaluated: 2019-05-28. Review status: criteria provided, single submitter. Criteria: GeneDx Variant Classification Process June 2021. Collection method: clinical testing. Allele origin: germline. Affected: yes.
Comment: In silico analysis, which includes protein predictors and evolutionary conservation, supports that this variant does not alter protein structure/function; Has not been previously published as pathogenic or benign to our knowledge

NM_001271938.2(MEGF8):c.3133G>A (p.Gly1045Ser)

Gene: MEGF8 (multiple EGF like domains 8; plus strand). Cytogenetic location: 19q13.2.
Variant type: single nucleotide variant.
Coding change: c.3133G>A on transcript NM_001271938.2 (MANE Select); coding-DNA position 3133, G replaced by A.
Protein change: p.Gly1045Ser; replaces glycine 1045 with serine.
Molecular consequence: missense variant.
Genome position (GRCh38, 1-based): chr19:42,352,239, G>A. VCF-style: chr19-42352239-G-A. GRCh37 (hg19) VCF-style: chr19-42856391-G-A.
Other names: c.2932G>A, p.Gly978Ser (NM_001410.3); short protein forms G1045S, G978S.
Identifiers: ClinVar variation 1306165 (VCV001306165.2), dbSNP rs756780589, ClinGen allele CA9474913.
Genomic context (GRCh38, chr19:42,352,239, plus strand): 5'-CCCCGCTTCTTCACTCTCCCACCCTGCAGGTGCCTACAGGGGGACTTCTCAGGGCCCCTC[G>A]GTGGGGGTAACTGCTCCCTGTGGGTGGGGGAGGGCCTGGGGCTTCCCGTGGCCCTCCCTG-3'
Protein context (NP_001258867.1, residues 1035-1055): CLQGDFSGPL[Gly1045Ser]GGNCSLWVGE